The following is an entry in ClinVar:

ClinVar aggregate classification (germline): Uncertain significance (1 of 4 stars; one submission).

Submission:

GeneDx
Classification: Uncertain significance. Last evaluated: 2023-09-27. Review status: criteria provided, single submitter. Criteria: GeneDx Variant Classification Process June 2021. Collection method: clinical testing. Allele origin: germline. Affected: yes.
Comment: Not observed at significant frequency in large population cohorts (gnomAD); In silico analysis supports that this missense variant has a deleterious effect on protein structure/function; Has not been previously published as pathogenic or benign to our knowledge

NM_001039591.3(USP9X):c.5756A>G (p.Gln1919Arg)

Gene: USP9X (ubiquitin specific peptidase 9 X-linked; plus strand). Cytogenetic location: Xp11.4.
Variant type: single nucleotide variant.
Coding change: c.5756A>G on transcript NM_001039591.3 (MANE Select); coding-DNA position 5756, A replaced by G.
Protein change: p.Gln1919Arg; replaces glutamine 1919 with arginine.
Molecular consequence: missense variant.
Genome position (GRCh38, 1-based): chrX:41,216,323, A>G. VCF-style: chrX-41216323-A-G. GRCh37 (hg19) VCF-style: chrX-41075576-A-G.
Other names: c.5756A>G, p.Gln1919Arg (NM_001039590.3); c.5771A>G, p.Gln1924Arg (NM_001410748.1, NM_001410749.1); short protein forms Q1919R, Q1924R.
Identifiers: ClinVar variation 1704724 (VCV001704724.4), dbSNP rs2519371659, ClinGen allele CA412792966.